The following is an entry in ClinVar:

NM_018010.4(IFT57):c.655G>C (p.Asp219His)

Gene: IFT57 (intraflagellar transport 57; minus strand). Cytogenetic location: 3q13.12.
Variant type: single nucleotide variant.
Coding change: c.655G>C on transcript NM_018010.4 (MANE Select); coding-DNA position 655, G replaced by C.
Protein change: p.Asp219His; replaces aspartic acid 219 with histidine.
Molecular consequence: missense variant.
Genome position (GRCh38, 1-based): chr3:108,191,643, C>G on the plus strand (G>C on the coding strand, the complement: IFT57 is on the minus strand). VCF-style: chr3-108191643-C-G. GRCh37 (hg19) VCF-style: chr3-107910490-C-G.
Other names: c.655G>C (NM_018010.3); short protein forms D219H.
Identifiers: ClinVar variation 1918584 (VCV001918584.6), dbSNP rs1460114196, ClinGen allele CA353906704.

ClinVar aggregate classification (germline): Uncertain significance. Review status: criteria provided, multiple submitters, no conflicts (2 of 4 stars). 2 submissions from 2 submitters: Uncertain significance (2). Last evaluated 2025-11-20.

Allele frequency attached by ClinVar (database versions not stated): gnomAD exomes 0.00001.
gnomAD v4.1: 11 of 1,588,944 alleles (0.00069%); highest among the groups gnomAD compares: Non-Finnish European, 0.00094%; no homozygotes.

Submissions (2):

Ambry Genetics
Classification: Uncertain significance. Last evaluated: 2025-11-20. Review status: criteria provided, single submitter. Criteria: Ambry Variant Classification Scheme 2023. Collection method: clinical testing. Allele origin: germline.

Labcorp Genetics (formerly Invitae), Labcorp
Classification: Uncertain significance. Last evaluated: 2022-09-18. Review status: criteria provided, single submitter. Criteria: Invitae Variant Classification Sherloc (09022015). Collection method: clinical testing. Allele origin: germline.
Comment: Algorithms developed to predict the effect of missense changes on protein structure and function are either unavailable or do not agree on the potential impact of this missense change (SIFT: "Deleterious"; PolyPhen-2: "Benign"; Align-GVGD: "Class C0"). This sequence change replaces aspartic acid, which is acidic and polar, with histidine, which is basic and polar, at codon 219 of the IFT57 protein (p.Asp219His). This variant is present in population databases (no rsID available, gnomAD 0.0009%). This variant has not been reported in the literature in individuals affected with IFT57-related conditions. In summary, the available evidence is currently insufficient to determine the role of this variant in disease. Therefore, it has been classified as a Variant of Uncertain Significance.